The following is an entry in ClinVar:

NM_005219.5(DIAPH1):c.3149-1G>A

Gene: DIAPH1 (diaphanous related formin 1; minus strand). Cytogenetic location: 5q31.3.
Variant type: single nucleotide variant.
Coding change: c.3149-1G>A on transcript NM_005219.5 (MANE Select); the canonical splice acceptor site of the intron before coding-DNA position 3149, G replaced by A.
Molecular consequence: splice acceptor variant.
Genome position (GRCh38, 1-based): chr5:141,527,698, C>T on the plus strand (G>A on the coding strand, the complement: DIAPH1 is on the minus strand). VCF-style: chr5-141527698-C-T. GRCh37 (hg19) VCF-style: chr5-140907265-C-T.
Other names: c.3122-1G>A (NM_001079812.3); c.3149-1G>A (NM_001314007.2).
Identifiers: ClinVar variation 4785104 (VCV004785104.1).
Genomic context (GRCh38, chr5:141,527,698, plus strand): 5'-CCACATCAGAAATTTGTTTCTTCATCTGATCTAGGTTCTTTTGCAAGTTTTCAGCAGAAA[C>T]TAAAAAAAAAAAAAAAAAAAAAAACCATAAAAACAGACAGCAAGAGCTTACTAATAATCC-3'

ClinVar aggregate classification (germline): Likely pathogenic (1 of 4 stars; one submission).

Conditions:
Progressive microcephaly-seizures-cortical blindness-developmental delay syndrome. Also called: Seizures, cortical blindness, and microcephaly syndrome. Identifiers: Orphanet 477814, MedGen C5567650, MONDO:0014714, OMIM 616632.
Autosomal dominant nonsyndromic hearing loss 1. Also called: DEAFNESS, AUTOSOMAL DOMINANT 1, WITH OR WITHOUT THROMBOCYTOPENIA; KONIGSMARK SYNDROME. Identifiers: Orphanet 90635, MedGen C1852282, MONDO:0007424, OMIM 124900.

Submission:

Labcorp Genetics (formerly Invitae), Labcorp
Classification: Likely pathogenic for Progressive microcephaly-seizures-cortical blindness-developmental delay syndrome; Autosomal dominant nonsyndromic hearing loss 1. Last evaluated: 2025-05-26. Review status: criteria provided, single submitter. Criteria: Invitae Variant Classification Sherloc (09022015). Collection method: clinical testing. Allele origin: germline.
Comment: This sequence change affects an acceptor splice site in intron 23 of the DIAPH1 gene. It is expected to disrupt RNA splicing. Variants that disrupt the donor or acceptor splice site typically lead to a loss of protein function (PMID: 16199547), and loss-of-function variants in DIAPH1 are known to be pathogenic (PMID: 24781755, 26463574). This variant is not present in population databases (gnomAD no frequency). This variant has not been reported in the literature in individuals affected with DIAPH1-related conditions. Algorithms developed to predict the effect of sequence changes on RNA splicing suggest that this variant may disrupt the consensus splice site. In summary, the currently available evidence indicates that the variant is pathogenic, but additional data are needed to prove that conclusively. Therefore, this variant has been classified as Likely Pathogenic.

Literature cited by the submitters: PubMed 16199547; PubMed 24781755; PubMed 26463574.